The following is an entry in ClinVar:

NM_000088.4(COL1A1):c.590G>A (p.Gly197Asp)

Gene: COL1A1 (collagen type I alpha 1 chain; minus strand). Cytogenetic location: 17q21.33.
Variant type: single nucleotide variant.
Coding change: c.590G>A on transcript NM_000088.4 (MANE Select); coding-DNA position 590, G replaced by A.
Protein change: p.Gly197Asp; replaces glycine 197 with aspartic acid.
Molecular consequence: missense variant.
Genome position (GRCh38, 1-based): chr17:50,198,001, C>T on the plus strand (G>A on the coding strand, the complement: COL1A1 is on the minus strand). VCF-style: chr17-50198001-C-T. GRCh37 (hg19) VCF-style: chr17-48275362-C-T.
Other names: short protein forms G197D.
Identifiers: ClinVar variation 3899265 (VCV003899265.3).

ClinVar aggregate classification (germline): Pathogenic/Likely pathogenic. Review status: criteria provided, multiple submitters, no conflicts (2 of 4 stars). 3 submissions from 3 submitters: Pathogenic (2); Likely pathogenic (1). Last evaluated 2025-06-10.

Conditions:
Combined osteogenesis imperfecta and Ehlers-Danlos syndrome 1. Also called: OIEDS SYNDROME 1. Identifiers: MedGen C5436842, MONDO:0030854, OMIM 619115.
Osteogenesis imperfecta type I (OI1). Also called: OI, TYPE I; OSTEOGENESIS IMPERFECTA TARDA; OSTEOGENESIS IMPERFECTA WITH BLUE SCLERAE; Osteogenesis imperfecta type 1; Lobstein's Disease; Lobstein disease. Identifiers: Orphanet 216796, Orphanet 666, MedGen C0023931, MONDO:0008146, OMIM 166200. Disease mechanism: loss of function.
Osteogenesis imperfecta type III (OI3). Also called: Osteogenesis imperfecta type 3; OI type 3; Osteogenesis imperfecta, progressively deforming with normal sclerae; OI type III; Progressively Deforming Osteogenesis Imperfecta. Identifiers: Orphanet 216812, Orphanet 666, MedGen C0268362, MONDO:0009804, OMIM 259420.

Submissions (3):

Labcorp Genetics (formerly Invitae), Labcorp
Classification: Pathogenic for Osteogenesis imperfecta type I. Last evaluated: 2025-06-10. Review status: criteria provided, single submitter. Criteria: Invitae Variant Classification Sherloc (09022015). Collection method: clinical testing. Allele origin: germline.
Comment: This sequence change replaces glycine, which is neutral and non-polar, with aspartic acid, which is acidic and polar, at codon 197 of the COL1A1 protein (p.Gly197Asp). This variant is not present in population databases (gnomAD no frequency). This missense change has been observed in individual(s) with COL1A1-related conditions (PMID: 17078022; internal data). ClinVar contains an entry for this variant (Variation ID: 3899265). Experimental studies and prediction algorithms are not available or were not evaluated, and the functional significance of this variant is currently unknown. This variant disrupts the triple helix domain of COL1A1. Glycine residues within the Gly-Xaa-Yaa repeats of the triple helix domain are required for the structure and stability of fibrillar collagens (PMID: 7695699, 8218237, 19344236). In COL1A1, variants affecting these glycine residues are significantly enriched in individuals with disease (PMID: 9016532, 17078022) compared to the general population (ExAC). For these reasons, this variant has been classified as Pathogenic.

Department of Clinical Genetics, Copenhagen University Hospital, Rigshospitalet
Classification: Pathogenic for Combined osteogenesis imperfecta and Ehlers-Danlos syndrome 1. Last evaluated: 2024-04-02. Review status: criteria provided, single submitter. Criteria: ACMG Guidelines, 2015. Collection method: clinical testing. Allele origin: germline.
Comment: PM1_Str, PP3_Str, PM5_M, PM2_Sup

Clinical Genetics Service, Universitary Hospital 12 de Octubre
Classification: Likely pathogenic for Osteogenesis imperfecta type III. Review status: criteria provided, single submitter. Criteria: ACMG Guidelines, 2015. Collection method: clinical testing. Allele origin: germline. Affected: yes.

Literature cited by the submitters: PubMed 17078022 (cited by Labcorp Genetics (formerly Invitae), Labcorp); PubMed 7695699 (cited by Labcorp Genetics (formerly Invitae), Labcorp); PubMed 8218237 (cited by Labcorp Genetics (formerly Invitae), Labcorp); PubMed 19344236 (cited by Labcorp Genetics (formerly Invitae), Labcorp); PubMed 9016532 (cited by Labcorp Genetics (formerly Invitae), Labcorp).